The following is an entry in ClinVar:

NM_001077365.2(POMT1):c.699+66G>T

Gene: POMT1 (protein O-mannosyltransferase 1; plus strand). Cytogenetic location: 9q34.13.
Variant type: single nucleotide variant.
Coding change: c.699+66G>T on transcript NM_001077365.2 (MANE Select); 66 bases into the intron after coding-DNA position 699, G replaced by T.
Molecular consequence: intron variant. On other transcripts: synonymous variant (7), non-coding transcript variant (1).
Genome position (GRCh38, 1-based): chr9:131,510,062, G>T. VCF-style: chr9-131510062-G-T. GRCh37 (hg19) VCF-style: chr9-134385449-G-T.
Other names: c.765G>T, p.Gly255= (NM_001353193.2, NM_007171.4); c.603G>T, p.Gly201= (NM_001353197.2, NM_001353198.2, NM_001374689.1); c.414G>T, p.Gly138= (NM_001353199.2); c.309G>T, p.Gly103= (NM_001374695.1); c.699+66G>T (NM_001136113.2, NM_001374690.1); c.537+66G>T (NM_001353194.2, NM_001077366.2, NM_001374693.1); c.348+66G>T (NM_001374691.1, NM_001353195.2, NM_001374692.1 and 1 more transcripts); c.609+66G>T (NM_001353196.2); and 2 more.
Identifiers: ClinVar variation 2159295 (VCV002159295.5), dbSNP rs770450420, ClinGen allele CA5293386.
Genomic context (GRCh38, chr9:131,510,062, plus strand): 5'-TGCTGATGTCCAGTGCTGCATGAGGCCGGCCTGTATGGGGCAGATGCAGATGTCACAGGG[G>T]GTACTTGGTGAAAAGACTCCAATCCTCAATGTTTTAGAAGCAGGCAGGCCTGGGCAGCCT-3'

ClinVar aggregate classification (germline): Conflicting classifications of pathogenicity. Review status: criteria provided, conflicting classifications (1 of 4 stars). 2 submissions from 2 submitters: Uncertain significance (1); Likely benign (1). Last evaluated 2026-01-01.

Conditions:
Walker-Warburg congenital muscular dystrophy. Also called: Muscular dystrophy-dystroglycanopathy, type A; Walker-Warburg syndrome. Identifiers: Orphanet 899, MedGen C0265221, MONDO:0000171.
Autosomal recessive limb-girdle muscular dystrophy type 2K. Also called: MUSCULAR DYSTROPHY-DYSTROGLYCANOPATHY (LIMB-GIRDLE), TYPE C, 1; MUSCULAR DYSTROPHY, LIMB-GIRDLE, TYPE 2K. Identifiers: Orphanet 86812, MedGen C1836373, MONDO:0012248, OMIM 609308.
Muscular dystrophy-dystroglycanopathy (congenital with impaired intellectual development), type B, 1. Also called: Muscular dystrophy-dystroglycanopathy (congenital with intellectual disability), type B1; MUSCULAR DYSTROPHY, CONGENITAL, POMT1-RELATED. Identifiers: MedGen C5436962, MONDO:0013159, OMIM 613155.

Allele frequency attached by ClinVar (database versions not stated): TOPMed below 0.00001; ExAC 0.00001; gnomAD exomes 0.00001.
gnomAD v4.1: 9 of 1,614,068 alleles (0.00056%); highest among the groups gnomAD compares: Middle Eastern, 0.017%; no homozygotes.

Submissions (2):

CeGaT Center for Human Genetics Tuebingen
Classification: Likely benign. Last evaluated: 2026-01-01. Review status: criteria provided, single submitter. Criteria: CeGaT Center For Human Genetics Tuebingen Variant Classification Criteria Version 2. Collection method: clinical testing. Allele origin: germline. Affected: yes. Observed: 1 variant allele.
Comment: POMT1: BP4, BP7

Labcorp Genetics (formerly Invitae), Labcorp
Classification: Uncertain significance for Muscular dystrophy-dystroglycanopathy (congenital with impaired intellectual development), type B, 1; Walker-Warburg congenital muscular dystrophy; Autosomal recessive limb-girdle muscular dystrophy type 2K. Last evaluated: 2022-02-11. Review status: criteria provided, single submitter. Criteria: Invitae Variant Classification Sherloc (09022015). Collection method: clinical testing. Allele origin: germline.
Comment: This sequence change affects codon 255 of the POMT1 mRNA. It is a 'silent' change, meaning that it does not change the encoded amino acid sequence of the POMT1 protein. This variant also falls at the last nucleotide of exon 8, which is part of the consensus splice site for this exon. The frequency data for this variant in the population databases is considered unreliable, as metrics indicate poor data quality at this position in the gnomAD database. This variant has not been reported in the literature in individuals affected with POMT1-related conditions. Variants that disrupt the consensus splice site are a relatively common cause of aberrant splicing (PMID: 17576681, 9536098). Algorithms developed to predict the effect of sequence changes on RNA splicing suggest that this variant may disrupt the consensus splice site. In summary, the available evidence is currently insufficient to determine the role of this variant in disease. Therefore, it has been classified as a Variant of Uncertain Significance.

Literature cited by the submitters: PubMed 17576681 (cited by Labcorp Genetics (formerly Invitae), Labcorp); PubMed 9536098 (cited by Labcorp Genetics (formerly Invitae), Labcorp).